The following is an entry in ClinVar:

NM_003126.4(SPTA1):c.2588-2A>C

Gene: SPTA1 (spectrin alpha, erythrocytic 1; minus strand). Cytogenetic location: 1q23.1.
Variant type: single nucleotide variant.
Coding change: c.2588-2A>C on transcript NM_003126.4 (MANE Select); the canonical splice acceptor site of the intron before coding-DNA position 2588, A replaced by C.
Molecular consequence: splice acceptor variant.
Genome position (GRCh38, 1-based): chr1:158,657,696, T>G on the plus strand (A>C on the coding strand, the complement: SPTA1 is on the minus strand). VCF-style: chr1-158657696-T-G. GRCh37 (hg19) VCF-style: chr1-158627486-T-G.
Identifiers: ClinVar variation 4715372 (VCV004715372.1).

ClinVar aggregate classification (germline): Likely pathogenic (1 of 4 stars; one submission).

gnomAD v4.1: 2 of 1,613,992 alleles (0.00012%); highest among the groups gnomAD compares: Non-Finnish European, 0.00017%; no homozygotes.

Submission:

Labcorp Genetics (formerly Invitae), Labcorp
Classification: Likely pathogenic. Last evaluated: 2025-03-18. Review status: criteria provided, single submitter. Criteria: Invitae Variant Classification Sherloc (09022015). Collection method: clinical testing. Allele origin: germline.
Comment: This sequence change affects an acceptor splice site in intron 18 of the SPTA1 gene. It is expected to disrupt RNA splicing. Variants that disrupt the donor or acceptor splice site typically lead to a loss of protein function (PMID: 16199547), and loss-of-function variants in SPTA1 are known to be pathogenic (PMID: 9192783, 18815189, 31333484, 31723846, 32266426). This variant is not present in population databases (gnomAD no frequency). This variant has not been reported in the literature in individuals affected with SPTA1-related conditions. Algorithms developed to predict the effect of sequence changes on RNA splicing suggest that this variant may disrupt the consensus splice site. In summary, the currently available evidence indicates that the variant is pathogenic, but additional data are needed to prove that conclusively. Therefore, this variant has been classified as Likely Pathogenic.

Literature cited by the submitters: PubMed 16199547; PubMed 9192783; PubMed 18815189; PubMed 31333484; PubMed 31723846; PubMed 32266426.